The following is an entry in ClinVar:

NM_198334.3(GANAB):c.329G>A (p.Arg110Gln)

Gene: GANAB (glucosidase II alpha subunit; minus strand). Cytogenetic location: 11q12.3.
Variant type: single nucleotide variant.
Coding change: c.329G>A on transcript NM_198334.3 (MANE Select); coding-DNA position 329, G replaced by A.
Protein change: p.Arg110Gln; replaces arginine 110 with glutamine.
Molecular consequence: missense variant. On other transcripts: 5 prime UTR variant (2), intron variant (2).
Genome position (GRCh38, 1-based): chr11:62,639,034, C>T on the plus strand (G>A on the coding strand, the complement: GANAB is on the minus strand). VCF-style: chr11-62639034-C-T. GRCh37 (hg19) VCF-style: chr11-62406506-C-T.
Other names: c.38G>A, p.Arg13Gln (NM_001278194.2, NM_001329222.2, NM_001329223.2); c.-448G>A (NM_001329224.2, NM_001329225.2); c.329G>A, p.Arg110Gln (NM_198335.4); c.39-4034G>A (NM_001278193.2, NM_001278192.2); short protein forms R110Q, R13Q.
Identifiers: ClinVar variation 4983978 (VCV004983978.1).

ClinVar aggregate classification (germline): Uncertain significance (1 of 4 stars; one submission).

Conditions:
GANAB-related disorder. Also called: GANAB-related condition.

gnomAD v4.1: 3 of 1,613,710 alleles (0.00019%); highest among the groups gnomAD compares: African/African-American, 0.004%; no homozygotes.

Submission:

PreventionGenetics, part of Exact Sciences
Classification: Uncertain significance for GANAB-related condition. Last evaluated: 2025-02-15. Review status: criteria provided, single submitter. Criteria: ACMG Guidelines, 2015. Collection method: clinical testing. Allele origin: germline.
Comment: The GANAB c.329G>A variant is predicted to result in the amino acid substitution p.Arg110Gln. To our knowledge, this variant has not been reported in the literature. This variant is reported in 0.0062% of alleles in individuals of African descent in gnomAD. At this time, the clinical significance of this variant is uncertain due to the absence of conclusive functional and genetic evidence.